The following is an entry in ClinVar:

ClinVar aggregate classification (germline): Likely pathogenic (1 of 4 stars; one submission).

Conditions:
Fanconi anemia (FA). Also called: Fanconi's anemia. Identifiers: Orphanet 84, MedGen C0015625, MeSH D005199, MONDO:0019391.

Submission:

Labcorp Genetics (formerly Invitae), Labcorp
Classification: Likely pathogenic for Fanconi anemia. Last evaluated: 2022-06-27. Review status: criteria provided, single submitter. Criteria: Invitae Variant Classification Sherloc (09022015). Collection method: clinical testing. Allele origin: germline.
Comment: This variant results in a copy number gain of the genomic region encompassing exon(s) 5-12 of the FANCC gene. While the exact position of this variant cannot be determined from the data, sub-genic copy number gains are generally in tandem (PMID: 25640679). This variant is predicted to be out-of-frame, and may result in an absent or disrupted protein product. Loss-of-function variants in FANCC are known to be pathogenic (PMID: 17924555). This variant has not been reported in the literature in individuals affected with FANCC-related conditions. In summary, the currently available evidence indicates that the variant is pathogenic, but additional data are needed to prove that conclusively. Therefore, this variant has been classified as Likely Pathogenic.

Literature cited by the submitters: PubMed 25640679; PubMed 17924555.

NC_000009.11:g.(?_97876901)_(97934439_?)dup

Gene: FANCC (FA complementation group C; minus strand). Cytogenetic location: 9q22.32.
Variant type: Duplication.
Identifiers: ClinVar variation 1504571 (VCV001504571.4).